The following is an entry in ClinVar:

NM_001164462.2(MUC12):c.1492A>G (p.Ser498Gly)

Gene: MUC12 (mucin 12, cell surface associated; plus strand). Cytogenetic location: 7q22.1.
Variant type: single nucleotide variant.
Coding change: c.1492A>G on transcript NM_001164462.2 (MANE Select); coding-DNA position 1492, A replaced by G.
Protein change: p.Ser498Gly; replaces serine 498 with glycine.
Molecular consequence: missense variant.
Genome position (GRCh38, 1-based): chr7:100,992,055, A>G. VCF-style: chr7-100992055-A-G. GRCh37 (hg19) VCF-style: chr7-100635336-A-G.
Other names: short protein forms S498G.
Identifiers: ClinVar variation 3904910 (VCV003904910.10).

ClinVar aggregate classification (germline): Likely benign (1 of 4 stars; one submission).

gnomAD v4.1: 8,136 of 1,536,776 alleles (0.53%); highest among the groups gnomAD compares: Non-Finnish European, 0.59%; 26 homozygotes.

Submission:

CeGaT Center for Human Genetics Tuebingen
Classification: Likely benign. Last evaluated: 2025-10-01. Review status: criteria provided, single submitter. Criteria: CeGaT Center For Human Genetics Tuebingen Variant Classification Criteria Version 2. Collection method: clinical testing. Allele origin: germline. Affected: yes. Observed: 3 variant alleles.
Comment: MUC12: BS2